The following is an entry in ClinVar:

ClinVar aggregate classification (germline): Uncertain significance (1 of 4 stars; one submission).

Conditions:
Dyskeratosis congenita, autosomal recessive 5 (DKCB5). Identifiers: MedGen C3554656, MONDO:0014076, OMIM 615190.
Pulmonary fibrosis and/or bone marrow failure, Telomere-related, 3. Also called: PULMONARY FIBROSIS AND/OR BONE MARROW FAILURE SYNDROME, TELOMERE-RELATED, 3. Identifiers: Orphanet 2032, MedGen C4225346, MONDO:0014613, OMIM 616373.

gnomAD v4.1: 5 of 1,612,344 alleles (0.00031%); highest among the groups gnomAD compares: Non-Finnish European, 0.00042%; no homozygotes.

Submission:

Labcorp Genetics (formerly Invitae), Labcorp
Classification: Uncertain significance for Dyskeratosis congenita, autosomal recessive 5; Pulmonary fibrosis and/or bone marrow failure, Telomere-related, 3. Last evaluated: 2025-01-13. Review status: criteria provided, single submitter. Criteria: Invitae Variant Classification Sherloc (09022015). Collection method: clinical testing. Allele origin: germline.
Comment: This sequence change falls in intron 8 of the RTEL1 gene. It does not directly change the encoded amino acid sequence of the RTEL1 protein. It affects a nucleotide within the consensus splice site. This variant is not present in population databases (gnomAD no frequency). This variant has not been reported in the literature in individuals affected with RTEL1-related conditions. Variants that disrupt the consensus splice site are a relatively common cause of aberrant splicing (PMID: 17576681, 9536098). Algorithms developed to predict the effect of sequence changes on RNA splicing suggest that this variant is not likely to affect RNA splicing. In summary, the available evidence is currently insufficient to determine the role of this variant in disease. Therefore, it has been classified as a Variant of Uncertain Significance.

Literature cited by the submitters: PubMed 17576681; PubMed 9536098.

NM_001283009.2(RTEL1):c.699+3G>A

Genes: RTEL1 (regulator of telomere elongation helicase 1; plus strand), RTEL1-TNFRSF6B (RTEL1-TNFRSF6B readthrough (NMD candidate); plus strand). Cytogenetic location: 20q13.33.
Variant type: single nucleotide variant.
Coding change: c.699+3G>A on transcript NM_001283009.2 (MANE Select); 3 bases into the intron after coding-DNA position 699, G replaced by A.
Molecular consequence: intron variant.
Genome position (GRCh38, 1-based): chr20:63,667,556, G>A. VCF-style: chr20-63667556-G-A. GRCh37 (hg19) VCF-style: chr20-62298909-G-A.
Other names: c.30+3G>A (NM_001283010.1); c.771+3G>A (NM_032957.5); c.699+3G>A (NM_016434.4).
Identifiers: ClinVar variation 3762168 (VCV003762168.2).